The following is an entry in ClinVar:

NM_000107.3(DDB2):c.794A>G (p.Gln265Arg)

Gene: DDB2 (damage specific DNA binding protein 2; plus strand). Cytogenetic location: 11p11.2.
Variant type: single nucleotide variant.
Coding change: c.794A>G on transcript NM_000107.3 (MANE Select); coding-DNA position 794, A replaced by G.
Protein change: p.Gln265Arg; replaces glutamine 265 with arginine.
Molecular consequence: missense variant. On other transcripts: intron variant (1).
Genome position (GRCh38, 1-based): chr11:47,234,848, A>G. VCF-style: chr11-47234848-A-G. GRCh37 (hg19) VCF-style: chr11-47256399-A-G.
Other names: c.457-2989A>G (NM_001300734.2); short protein forms Q265R.
Identifiers: ClinVar variation 1050710 (VCV001050710.1), dbSNP rs1953701307, ClinGen allele CA380296059.
Genomic context (GRCh38, chr11:47,234,848, plus strand): 5'-TGACGCATGTGGCCCTGAACCCATGCTGTGATTGGTTCCTGGCCACAGCCTCCGTAGATC[A>G]AACAGTGAAAATTTGGGACCTGCGCCAGGTTAGAGGGAAAGCCAGCTTCCTCTACTCGCT-3'
Protein context (NP_000098.1, residues 255-275): DWFLATASVD[Gln265Arg]TVKIWDLRQV

ClinVar aggregate classification (germline): Uncertain significance (0 of 4 stars; one submission).

Allele frequency attached by ClinVar (database versions not stated): gnomAD exomes below 0.00001.
gnomAD v4.1: 1 of 1,614,200 alleles (0.000062%); highest among the groups gnomAD compares: Non-Finnish European, 0.000085%; no homozygotes.

Submission:

Department of Pathology and Laboratory Medicine, Sinai Health System
Classification: Uncertain significance. Review status: no assertion criteria provided. Collection method: clinical testing. Allele origin: unknown. Affected: yes. Study: The Canadian Open Genetics Repository (COGR).
Comment: The DDB2 p.Gln265Arg variant was not identified in the literature nor was it identified in the dbSNP, ClinVar, Cosmic or LOVD 3.0. The variant was also not identified in the following control databases: the 1000 Genomes Project, the NHLBI GO Exome Sequencing Project, the Exome Aggregation Consortium (August 8th 2016), or the Genome Aggregation Database (Feb 27, 2017). The variant occurs outside of the splicing consensus sequence and in silico or computational prediction software programs (SpliceSiteFinder, MaxEntScan, NNSPLICE, GeneSplicer) do not predict a difference in splicing. The p.Gln265 residue is conserved in mammals but not in more distantly related organisms and computational analyses (PolyPhen-2, SIFT, AlignGVGD, BLOSUM, MutationTaster) provide inconsistent predictions regarding the impact to the protein; this information is not very predictive of pathogenicity. In summary, based on the above information the clinical significance of this variant cannot be determined with certainty at this time. This variant is classified as a variant of uncertain significance.